The following is an entry in ClinVar:

ClinVar aggregate classification (germline): Uncertain significance (1 of 4 stars; one submission).

Submission:

Labcorp Genetics (formerly Invitae), Labcorp
Classification: Uncertain significance. Last evaluated: 2022-11-01. Review status: criteria provided, single submitter. Criteria: Invitae Variant Classification Sherloc (09022015). Collection method: clinical testing. Allele origin: germline.
Comment: In summary, the available evidence is currently insufficient to determine the role of this variant in disease. Therefore, it has been classified as a Variant of Uncertain Significance. This variant has not been reported in the literature in individuals affected with COL11A1-related conditions. This variant is a gross deletion of the genomic region encompassing exon(s) 64-66 of the COL11A1 gene. While this deletion is not anticipated to lead to nonsense mediated decay, it is expected to disrupt the C-terminus of the protein.

NC_000001.10:g.(?_103345219)_(103348887_?)del

Gene: COL11A1 (collagen type XI alpha 1 chain; minus strand). Cytogenetic location: 1p21.1.
Variant type: Deletion.
Identifiers: ClinVar variation 2424280 (VCV002424280.4).